The following is an entry in ClinVar:

ClinVar aggregate classification (germline): Uncertain significance (1 of 4 stars; one submission).

Allele frequency attached by ClinVar (database versions not stated): ExAC 0.00001; gnomAD exomes below 0.00001.
gnomAD v4.1: 1 of 1,609,956 alleles (0.000062%); highest among the groups gnomAD compares: Admixed American, 0.0017%; no homozygotes.

Submission:

Labcorp Genetics (formerly Invitae), Labcorp
Classification: Uncertain significance. Last evaluated: 2026-01-15. Review status: criteria provided, single submitter. Criteria: Invitae Variant Classification Sherloc (09022015). Collection method: clinical testing. Allele origin: germline.
Comment: This sequence change replaces lysine, which is basic and polar, with arginine, which is basic and polar, at codon 800 of the KMT2B protein (p.Lys800Arg). This variant is present in population databases (rs779338559, gnomAD 0.003%). This variant has not been reported in the literature in individuals affected with KMT2B-related conditions. ClinVar contains an entry for this variant (Variation ID: 1999067). Invitae Evidence Modeling of protein sequence and biophysical properties (such as structural, functional, and spatial information, amino acid conservation, physicochemical variation, residue mobility, and thermodynamic stability) has been performed for this missense variant. However, the output from this modeling did not meet the statistical confidence thresholds required to predict the impact of this variant on KMT2B protein function. In summary, the available evidence is currently insufficient to determine the role of this variant in disease. Therefore, it has been classified as a Variant of Uncertain Significance.

NM_014727.3(KMT2B):c.2399A>G (p.Lys800Arg)

Gene: KMT2B (lysine methyltransferase 2B; plus strand). Cytogenetic location: 19q13.12.
Variant type: single nucleotide variant.
Coding change: c.2399A>G on transcript NM_014727.3 (MANE Select); coding-DNA position 2399, A replaced by G.
Protein change: p.Lys800Arg; replaces lysine 800 with arginine.
Molecular consequence: missense variant.
Genome position (GRCh38, 1-based): chr19:35,721,746, A>G. VCF-style: chr19-35721746-A-G. GRCh37 (hg19) VCF-style: chr19-36212648-A-G.
Other names: short protein forms K800R.
Identifiers: ClinVar variation 1999067 (VCV001999067.4), dbSNP rs779338559, ClinGen allele CA9384427.
Genomic context (GRCh38, chr19:35,721,746, plus strand): 5'-TGGGTTCCTTGCCGCTGTCTGGGGTAGAGGAGAAGATGTTCAGCCTCCTCAAGAGAGCCA[A>G]AGTGCAGCTATTCAAGATCGATCAGCAGCAGCAGCAGAAGGTGGCAGCTTCCATGCCGGT-3'
Protein context (NP_055542.1, residues 790-810): EKMFSLLKRA[Lys800Arg]VQLFKIDQQQ